The following is an entry in ClinVar:

ClinVar aggregate classification (germline): Uncertain significance. Review status: criteria provided, multiple submitters, no conflicts (2 of 4 stars). 2 submissions from 2 submitters: Uncertain significance (2). Last evaluated 2022-07-19.

Conditions:
Autosomal recessive nonsyndromic hearing loss 28. Identifiers: Orphanet 90636, MedGen C1853276, MONDO:0012355, OMIM 609823.

Allele frequency attached by ClinVar (database versions not stated): gnomAD 0.00001; ExAC 0.00002; gnomAD exomes 0.00002; TOPMed 0.00002.
gnomAD v4.1: 23 of 1,591,866 alleles (0.0014%); highest among the groups gnomAD compares: Non-Finnish European, 0.0019%; no homozygotes.

Submissions (2):

Labcorp Genetics (formerly Invitae), Labcorp
Classification: Uncertain significance. Last evaluated: 2022-07-19. Review status: criteria provided, single submitter. Criteria: Invitae Variant Classification Sherloc (09022015). Collection method: clinical testing. Allele origin: germline.
Comment: In summary, the available evidence is currently insufficient to determine the role of this variant in disease. Therefore, it has been classified as a Variant of Uncertain Significance. Algorithms developed to predict the effect of missense changes on protein structure and function are either unavailable or do not agree on the potential impact of this missense change (SIFT: "Deleterious"; PolyPhen-2: "Benign"; Align-GVGD: "Class C0"). ClinVar contains an entry for this variant (Variation ID: 1328565). This variant has not been reported in the literature in individuals affected with TRIOBP-related conditions. This variant is present in population databases (rs201840128, gnomAD 0.004%). This sequence change replaces serine, which is neutral and polar, with phenylalanine, which is neutral and non-polar, at codon 1173 of the TRIOBP protein (p.Ser1173Phe).

GeneDx
Classification: Uncertain significance. Last evaluated: 2021-06-14. Review status: criteria provided, single submitter. Criteria: GeneDx Variant Classification Process June 2021. Collection method: clinical testing. Allele origin: germline. Affected: yes.
Comment: Not observed at significant frequency in large population cohorts (Lek et al., 2016); Has not been previously published as pathogenic or benign to our knowledge; This variant is associated with the following publications: (PMID: 27535533)

NM_001039141.3(TRIOBP):c.3518C>T (p.Ser1173Phe)

Gene: TRIOBP (TRIO and F-actin binding protein; plus strand). Cytogenetic location: 22q13.1.
Variant type: single nucleotide variant.
Coding change: c.3518C>T on transcript NM_001039141.3 (MANE Select); coding-DNA position 3518, C replaced by T.
Protein change: p.Ser1173Phe; replaces serine 1173 with phenylalanine.
Molecular consequence: missense variant.
Genome position (GRCh38, 1-based): chr22:37,726,074, C>T. VCF-style: chr22-37726074-C-T. GRCh37 (hg19) VCF-style: chr22-38122081-C-T.
Other names: short protein forms S1173F.
Identifiers: ClinVar variation 1328565 (VCV001328565.6), dbSNP rs201840128, ClinGen allele CA10224146.